The following is an entry in ClinVar:

NM_005359.6(SMAD4):c.352G>A (p.Ala118Thr)

Gene: SMAD4 (SMAD family member 4; plus strand). Cytogenetic location: 18q21.2.
Variant type: single nucleotide variant.
Coding change: c.352G>A on transcript NM_005359.6 (MANE Select); coding-DNA position 352, G replaced by A.
Protein change: p.Ala118Thr; replaces alanine 118 with threonine.
Molecular consequence: missense variant. On other transcripts: non-coding transcript variant (2).
Genome position (GRCh38, 1-based): chr18:51,048,788, G>A. VCF-style: chr18-51048788-G-A. GRCh37 (hg19) VCF-style: chr18-48575158-G-A.
Other names: c.352G>A, p.Ala118Thr (NM_001407041.1, NM_001407042.1, NM_001407043.1); short protein forms A118T.
Identifiers: ClinVar variation 5029759 (VCV005029759.1).

ClinVar aggregate classification (germline): Uncertain significance (1 of 4 stars; one submission).

Conditions:
Familial thoracic aortic aneurysm and aortic dissection (TAAD). Also called: Thoracic aortic aneurysms and dissections. Identifiers: Orphanet 91387, MedGen C4707243, MONDO:0019625.
Hereditary cancer-predisposing syndrome. Also called: Neoplastic Syndromes, Hereditary; Tumor predisposition; Hereditary neoplastic syndrome; Hereditary Cancer Syndrome. Identifiers: Orphanet 140162, MedGen C0027672, MeSH D009386, MONDO:0015356.

Submission:

Ambry Genetics
Classification: Uncertain significance for Hereditary cancer-predisposing syndrome; Familial thoracic aortic aneurysm and aortic dissection. Last evaluated: 2026-08-18. Review status: criteria provided, single submitter. Criteria: Ambry Variant Classification Scheme 2023. Collection method: clinical testing. Allele origin: germline.
Comment: The p.A118T variant (also known as c.352G>A), located in coding exon 2 of the SMAD4 gene, results from a G to A substitution at nucleotide position 352. The alanine at codon 118 is replaced by threonine, an amino acid with similar properties. This amino acid position is highly conserved in available vertebrate species. In addition, this alteration is predicted to be deleterious by in silico analysis. Based on the available evidence, the clinical significance of this variant remains unclear.